The following is an entry in ClinVar:

NM_001283009.2(RTEL1):c.1614A>C (p.Leu538Phe)

Genes: RTEL1 (regulator of telomere elongation helicase 1; plus strand), RTEL1-TNFRSF6B (RTEL1-TNFRSF6B readthrough (NMD candidate); plus strand). Cytogenetic location: 20q13.33.
Variant type: single nucleotide variant.
Coding change: c.1614A>C on transcript NM_001283009.2 (MANE Select); coding-DNA position 1614, A replaced by C.
Protein change: p.Leu538Phe; replaces leucine 538 with phenylalanine.
Molecular consequence: missense variant. On other transcripts: non-coding transcript variant (1).
Genome position (GRCh38, 1-based): chr20:63,688,157, A>C. VCF-style: chr20-63688157-A-C. GRCh37 (hg19) VCF-style: chr20-62319510-A-C.
Other names: c.945A>C, p.Leu315Phe (NM_001283010.1); c.1614A>C, p.Leu538Phe (NM_016434.4); c.1686A>C, p.Leu562Phe (NM_032957.5); short protein forms L315F, L538F, L562F.
Identifiers: ClinVar variation 4629594 (VCV004629594.1).

ClinVar aggregate classification (germline): Uncertain significance (1 of 4 stars; one submission).

Conditions:
Inborn genetic diseases. Identifiers: MedGen C0950123, MeSH D030342.

Submission:

Ambry Genetics
Classification: Uncertain significance for Inborn genetic diseases. Last evaluated: 2025-11-09. Review status: criteria provided, single submitter. Criteria: Ambry Variant Classification Scheme 2023. Collection method: clinical testing. Allele origin: germline.
Comment: The p.L538F variant (also known as c.1614A>C), located in coding exon 18 of the RTEL1 gene, results from an A to C substitution at nucleotide position 1614. The leucine at codon 538 is replaced by phenylalanine, an amino acid with highly similar properties. This amino acid position is conserved. In addition, this alteration is predicted to be tolerated by in silico analysis. Based on the available evidence, the clinical significance of this variant remains unclear.